The following is an entry in ClinVar:

ClinVar aggregate classification (germline): Uncertain significance (1 of 4 stars; one submission).

Conditions:
Hereditary spastic paraplegia 49 (HSAN9). Also called: TECPR2-Related Hereditary Sensory and Autonomic Neuropathy with Intellectual Disability; NEUROPATHY, HEREDITARY SENSORY AND AUTONOMIC, TYPE IX, WITH DEVELOPMENTAL DELAY; Spastic paraplegia 49, autosomal recessive. Identifiers: Orphanet 320385, MedGen C5190860, MONDO:0014016, OMIM 615031.

Submission:

Labcorp Genetics (formerly Invitae), Labcorp
Classification: Uncertain significance for Hereditary spastic paraplegia 49. Last evaluated: 2024-11-04. Review status: criteria provided, single submitter. Criteria: Invitae Variant Classification Sherloc (09022015). Collection method: clinical testing. Allele origin: germline.
Comment: This sequence change replaces leucine, which is neutral and non-polar, with phenylalanine, which is neutral and non-polar, at codon 762 of the TECPR2 protein (p.Leu762Phe). Information on the frequency of this variant in the gnomAD database is not available, as this variant may be reported differently in the database. This variant has not been reported in the literature in individuals affected with TECPR2-related conditions. ClinVar contains an entry for this variant (Variation ID: 1921386). Experimental studies and prediction algorithms are not available or were not evaluated, and the functional significance of this variant is currently unknown. In summary, the available evidence is currently insufficient to determine the role of this variant in disease. Therefore, it has been classified as a Variant of Uncertain Significance.

NM_014844.5(TECPR2):c.2283_2284delinsTT (p.Leu762Phe)

Gene: TECPR2 (tectonin beta-propeller repeat containing 2; plus strand). Cytogenetic location: 14q32.31.
Variant type: Indel.
Coding change: c.2283_2284delinsTT on transcript NM_014844.5 (MANE Select); coding-DNA positions 2283 to 2284, GC replaced by TT.
Protein change: p.Leu762Phe; replaces leucine 762 with phenylalanine.
Molecular consequence: missense variant.
Genome position (GRCh38, 1-based): chr14:102,435,100-102,435,101, GC replaced by TT. VCF-style: chr14-102435100-GC-TT. GRCh37 (hg19) VCF-style: chr14-102901437-GC-TT.
Other names: c.2283_2284delinsTT, p.Leu762Phe (NM_001172631.3); short protein forms L762F.
Identifiers: ClinVar variation 1921386 (VCV001921386.3), dbSNP rs2504426641, ClinGen allele CA2580088437.